The following is an entry in ClinVar:

NM_002529.4(NTRK1):c.66G>A (p.Leu22=)

Gene: NTRK1 (neurotrophic receptor tyrosine kinase 1; plus strand). Cytogenetic location: 1q23.1.
Variant type: single nucleotide variant.
Coding change: c.66G>A on transcript NM_002529.4 (MANE Select); coding-DNA position 66, G replaced by A.
Protein change: p.Leu22=; no amino-acid change (leucine 22 retained).
Molecular consequence: synonymous variant. On other transcripts: intron variant (1).
Genome position (GRCh38, 1-based): chr1:156,861,000, G>A. VCF-style: chr1-156861000-G-A. GRCh37 (hg19) VCF-style: chr1-156830792-G-A.
Other names: c.66G>A, p.Leu22= (NM_001012331.2); c.123-3354G>A (NM_001007792.1).
Identifiers: ClinVar variation 4279666 (VCV004279666.1).

ClinVar aggregate classification (germline): Pathogenic (1 of 4 stars; one submission).

Conditions:
Hereditary insensitivity to pain with anhidrosis (CIPA). Also called: HSAN Type IV; NEUROPATHY, CONGENITAL SENSORY, WITH ANHIDROSIS; hereditary sensory and autonomic neuropathy type 4; INSENSITIVITY TO PAIN, CONGENITAL, WITH ANHIDROSIS; FAMILIAL DYSAUTONOMIA, TYPE II; NTRK1 Congenital Insensitivity to Pain with Anhidrosis. Identifiers: Orphanet 642, MedGen C0020074, MONDO:0009746, OMIM 256800.

Submission:

Daryl Scott Lab, Baylor College of Medicine
Classification: Pathogenic for Hereditary insensitivity to pain with anhidrosis. Review status: criteria provided, single submitter. Criteria: ACMG Guidelines, 2015. Collection method: clinical testing. Allele origin: paternal. Affected: yes. Observed: 1 compound heterozygote.
Comment: PVS1, PM2